The following is an entry in ClinVar:

ClinVar aggregate classification (germline): Benign. Review status: criteria provided, multiple submitters, no conflicts (2 of 4 stars). 2 submissions from 2 submitters: Benign (2). Last evaluated 2018-01-13.

Conditions:
Thrombocytopenia 2 (THC2). Also called: ANKRD26-Related Thrombocytopenia. Identifiers: Orphanet 268322, MedGen C1861185, MONDO:0008555, OMIM 188000.

Allele frequency attached by ClinVar (database versions not stated): gnomAD 0.08861 and 0.09382; TOPMed 0.09000; 1000 Genomes Project 30x 0.13726; 1000 Genomes Project 0.14257.

Submissions (2):

Illumina Laboratory Services, Illumina
Classification: Benign for Thrombocytopenia 2. Last evaluated: 2018-01-13. Review status: criteria provided, single submitter. Criteria: ICSL Variant Classification Criteria 13 December 2019. Collection method: clinical testing. Allele origin: germline.
Comment: This variant was observed in the ICSL laboratory as part of a predisposition screen in an ostensibly healthy population. It had not been previously curated by ICSL or reported in the Human Gene Mutation Database (HGMD: prior to June 1st, 2018), and was therefore a candidate for classification through an automated scoring system. Utilizing variant allele frequency, disease prevalence and penetrance estimates, and inheritance mode, an automated score was calculated to assess if this variant is too frequent to cause the disease. Based on the score and internal cut-off values, a variant classified as benign is not then subjected to further curation. The score for this variant resulted in a classification of benign for this disease.

Breakthrough Genomics
Classification: Benign. Review status: criteria provided, single submitter. Criteria: ACMG Guidelines, 2015. Collection method: not provided. Allele origin: germline. Inheritance: Autosomal dominant inheritance. Affected: yes.

NM_014915.3(ANKRD26):c.*1212G>A

Gene: ANKRD26 (ankyrin repeat domain 26; minus strand). Cytogenetic location: 10p12.1.
Variant type: single nucleotide variant.
Coding change: c.*1212G>A on transcript NM_014915.3 (MANE Select); 1212 bases downstream of the stop codon, G replaced by A.
Molecular consequence: 3 prime UTR variant.
Genome position (GRCh38, 1-based): chr10:27,004,378, C>T on the plus strand (G>A on the coding strand, the complement: ANKRD26 is on the minus strand). VCF-style: chr10-27004378-C-T. GRCh37 (hg19) VCF-style: chr10-27293307-C-T.
Other names: c.*1212G>A (NM_001256053.2).
Identifiers: ClinVar variation 299711 (VCV000299711.6), dbSNP rs66931439, ClinGen allele CA10635536.